The following is an entry in ClinVar:

NM_170665.4(ATP2A2):c.2058C>T (p.Ile686=)

Genes: ATP2A2 (ATPase sarcoplasmic/endoplasmic reticulum Ca2+ transporting 2; plus strand), LOC126861637 (MED14-independent group 3 enhancer GRCh37_chr12:110778306-110779505; plus strand). Cytogenetic location: 12q24.11.
Variant type: single nucleotide variant.
Coding change: c.2058C>T on transcript NM_170665.4 (MANE Select); coding-DNA position 2058, C replaced by T.
Protein change: p.Ile686=; no amino-acid change (isoleucine 686 retained).
Molecular consequence: synonymous variant.
Genome position (GRCh38, 1-based): chr12:110,340,955, C>T. VCF-style: chr12-110340955-C-T. GRCh37 (hg19) VCF-style: chr12-110778760-C-T.
Other names: c.2058C>T, p.Ile686= (NM_001681.4).
Identifiers: ClinVar variation 307177 (VCV000307177.10), dbSNP rs140766323, ClinGen allele CA6784025.

ClinVar aggregate classification (germline): Benign. Review status: criteria provided, multiple submitters, no conflicts (2 of 4 stars). 3 submissions from 3 submitters: Benign (3). Last evaluated 2025-01-31.

Conditions:
Acrokeratosis verruciformis of Hopf (AKV). Also called: Acrokeratosis verruciformis; HOPF DISEASE. Identifiers: Orphanet 79151, MedGen C0265971, MONDO:0007048, OMIM 101900.
Keratosis follicularis (DAR). Also called: Darier disease; Darier's disease. Identifiers: Orphanet 218, MedGen C0022595, MONDO:0007417, OMIM 124200.

Allele frequency attached by ClinVar (database versions not stated): gnomAD below 0.00001 and 0.00019; TOPMed 0.00005; ESP Exome Variant Server 0.00008; gnomAD exomes 0.00038; 1000 Genomes Project 30x 0.00094; 1000 Genomes Project 0.00100; ExAC 0.00103.
gnomAD v4.1: 601 of 1,614,198 alleles (0.037%); highest among the groups gnomAD compares: South Asian, 0.62%; 9 homozygotes.

Submissions (3):

Labcorp Genetics (formerly Invitae), Labcorp
Classification: Benign. Last evaluated: 2025-01-31. Review status: criteria provided, single submitter. Criteria: Invitae Variant Classification Sherloc (09022015). Collection method: clinical testing. Allele origin: germline.

Fulgent Genetics
Classification: Benign for Acrokeratosis verruciformis of Hopf; Keratosis follicularis. Last evaluated: 2021-07-09. Review status: criteria provided, single submitter. Criteria: ACMG Guidelines, 2015. Collection method: clinical testing. Allele origin: unknown.

Illumina Laboratory Services, Illumina
Classification: Benign for Keratosis follicularis. Last evaluated: 2018-01-12. Review status: criteria provided, single submitter. Criteria: ICSL Variant Classification Criteria 13 December 2019. Collection method: clinical testing. Allele origin: germline.
Comment: This variant was observed in the ICSL laboratory as part of a predisposition screen in an ostensibly healthy population. It had not been previously curated by ICSL or reported in the Human Gene Mutation Database (HGMD: prior to June 1st, 2018), and was therefore a candidate for classification through an automated scoring system. Utilizing variant allele frequency, disease prevalence and penetrance estimates, and inheritance mode, an automated score was calculated to assess if this variant is too frequent to cause the disease. Based on the score and internal cut-off values, a variant classified as benign is not then subjected to further curation. The score for this variant resulted in a classification of benign for this disease.